The following is an entry in ClinVar:

NM_006662.3(SRCAP):c.3168C>T (p.Ala1056=)

Gene: SRCAP (Snf2 related CREBBP activator protein; plus strand). Cytogenetic location: 16p11.2.
Variant type: single nucleotide variant.
Coding change: c.3168C>T on transcript NM_006662.3 (MANE Select); coding-DNA position 3168, C replaced by T.
Protein change: p.Ala1056=; no amino-acid change (alanine 1056 retained).
Molecular consequence: synonymous variant.
Genome position (GRCh38, 1-based): chr16:30,720,893, C>T. VCF-style: chr16-30720893-C-T. GRCh37 (hg19) VCF-style: chr16-30732214-C-T.
Identifiers: ClinVar variation 260016 (VCV000260016.20), dbSNP rs765152833, ClinGen allele CA8011420.
Genomic context (GRCh38, chr16:30,720,893, plus strand): 5'-CACCCCTGGCCCAGTCCCCCAAGTGCTGCCAGCATCACTGATGGTTTCAGCCTCACCTGC[C>T]GGGCCCCCGCTTATTCCTGCATCTCGGCCTCCTGGCCCTGTCCTCTTGCCTCCACTGCAG-3'
Protein context (NP_006653.2, residues 1046-1066): PASLMVSASP[Ala1056=]GPPLIPASRP

ClinVar aggregate classification (germline): Likely benign. Review status: criteria provided, multiple submitters, no conflicts (2 of 4 stars). 5 submissions from 5 submitters: Likely benign (5). Last evaluated 2025-11-26.

Conditions:
Developmental delay, hypotonia, musculoskeletal defects, and behavioral abnormalities. Identifiers: MedGen C5562012, MONDO:0859202, OMIM 619595.
Floating-Harbor syndrome (FLHS). Also called: SRCAP-Related Floating-Harbor Syndrome; Short stature with delayed bone age, expressive language delay, a triangular face with a prominent nose and deep-set eyes; Pelletier-Leisti syndrome. Identifiers: Orphanet 2044, MedGen C0729582, MONDO:0007621, OMIM 136140.

Allele frequency attached by ClinVar (database versions not stated): TOPMed below 0.00001; gnomAD exomes 0.00002; ExAC 0.00003.
gnomAD v4.1: 36 of 1,614,106 alleles (0.0022%); highest among the groups gnomAD compares: South Asian, 0.0033%; no homozygotes.

Submissions (5):

Labcorp Genetics (formerly Invitae), Labcorp
Classification: Likely benign. Last evaluated: 2025-11-26. Review status: criteria provided, single submitter. Criteria: Invitae Variant Classification Sherloc (09022015). Collection method: clinical testing. Allele origin: germline.

CeGaT Center for Human Genetics Tuebingen
Classification: Likely benign. Last evaluated: 2025-08-01. Review status: criteria provided, single submitter. Criteria: CeGaT Center For Human Genetics Tuebingen Variant Classification Criteria Version 2. Collection method: clinical testing. Allele origin: germline. Affected: yes. Observed: 1 variant allele.
Comment: SRCAP: BP4, BP7

Blueprint Genetics
Classification: Likely benign. Last evaluated: 2024-09-13. Review status: criteria provided, single submitter. Criteria: ACMG Guidelines, 2015. Collection method: clinical testing. Allele origin: germline.

Fulgent Genetics
Classification: Likely benign for Floating-Harbor syndrome; Developmental delay, hypotonia, musculoskeletal defects, and behavioral abnormalities. Last evaluated: 2022-04-21. Review status: criteria provided, single submitter. Criteria: ACMG Guidelines, 2015. Collection method: clinical testing. Allele origin: unknown.

PreventionGenetics, part of Exact Sciences
Classification: Likely benign. Review status: criteria provided, single submitter. Criteria: ACMG Guidelines, 2015. Collection method: clinical testing. Allele origin: germline.